The following is an entry in ClinVar:

ClinVar aggregate classification (germline): Uncertain significance (1 of 4 stars; one submission).

gnomAD v4.1: 2 of 1,613,322 alleles (0.00012%); highest among the groups gnomAD compares: Non-Finnish European, 0.00017%; no homozygotes.

Submission:

Labcorp Genetics (formerly Invitae), Labcorp
Classification: Uncertain significance. Last evaluated: 2025-08-23. Review status: criteria provided, single submitter. Criteria: Invitae Variant Classification Sherloc (09022015). Collection method: clinical testing. Allele origin: germline.
Comment: This sequence change replaces alanine, which is neutral and non-polar, with serine, which is neutral and polar, at codon 526 of the TCF3 protein (p.Ala526Ser). This variant is not present in population databases (gnomAD no frequency). This variant has not been reported in the literature in individuals affected with TCF3-related conditions. Invitae Evidence Modeling of protein sequence and biophysical properties (such as structural, functional, and spatial information, amino acid conservation, physicochemical variation, residue mobility, and thermodynamic stability) indicates that this missense variant is not expected to disrupt TCF3 protein function with a negative predictive value of 80%. In summary, the available evidence is currently insufficient to determine the role of this variant in disease. Therefore, it has been classified as a Variant of Uncertain Significance.

NM_003200.5(TCF3):c.1576G>T (p.Ala526Ser)

Gene: TCF3 (transcription factor 3; minus strand). Cytogenetic location: 19p13.3.
Variant type: single nucleotide variant.
Coding change: c.1576G>T on transcript NM_003200.5 (MANE Select); coding-DNA position 1576, G replaced by T.
Protein change: p.Ala526Ser; replaces alanine 526 with serine.
Molecular consequence: missense variant.
Genome position (GRCh38, 1-based): chr19:1,615,696, C>A on the plus strand (G>T on the coding strand, the complement: TCF3 is on the minus strand). VCF-style: chr19-1615696-C-A. GRCh37 (hg19) VCF-style: chr19-1615695-C-A.
Other names: c.1576G>T, p.Ala526Ser (NM_001136139.4, NM_001351779.2); c.1573G>T, p.Ala525Ser (NM_001351778.2); short protein forms A525S, A526S.
Identifiers: ClinVar variation 4762375 (VCV004762375.1).
Genomic context (GRCh38, chr19:1,615,696, plus strand): 5'-GTGCGTCCTGATGGGGTGAGGGTGGGGAGTGCCGAGGGGTGGGTTGGCACCTGGTCCGGG[C>A]CCGGGGGGCCTTCAGCTCCTTCTTCTCCTCCTCCGAGTGGTCAGCCGCTGACGTGTTCTC-3'
Protein context (NP_003191.1, residues 516-536): EEKKELKAPR[Ala526Ser]RTSPDEDEDD